The following is an entry in ClinVar:

NM_001374828.1(ARID1B):c.4147_4149delinsAG (p.Tyr1383fs)

Gene: ARID1B (AT-rich interaction domain 1B; plus strand). Cytogenetic location: 6q25.3.
Variant type: Indel.
Coding change: c.4147_4149delinsAG on transcript NM_001374828.1 (MANE Select); coding-DNA positions 4147 to 4149, TAC replaced by AG.
Protein change: p.Tyr1383fs; shifts the reading frame from tyrosine 1383.
Molecular consequence: frameshift variant.
Genome position (GRCh38, 1-based): chr6:157,190,126-157,190,128, TAC replaced by AG. VCF-style: chr6-157190126-TAC-AG. GRCh37 (hg19) VCF-style: chr6-157511260-TAC-AG.
Other names: c.1648_1650delinsAG, p.Tyr550fs (NM_001363725.2); c.4027_4029delinsAG, p.Tyr1343fs (NM_001371656.1, NM_001374820.1); c.3988_3990delinsAG, p.Tyr1330fs (NM_017519.3); c.3778_3780delTACinsAG (NM_020732.3); short protein forms Y550fs, Y1330fs, Y1343fs, Y1383fs.
Identifiers: ClinVar variation 498830 (VCV000498830.7), dbSNP rs1554233122, ClinGen allele CA658796860.

ClinVar aggregate classification (germline): Pathogenic. Review status: criteria provided, multiple submitters, no conflicts (2 of 4 stars). 2 submissions from 2 submitters: Pathogenic (2). Last evaluated 2022-02-02.

Conditions:
Coffin-Siris syndrome 1 (CSS1). Also called: Mental retardation, autosomal dominant 12; ARID1B-Related Coffin-Siris Syndrome. Identifiers: Orphanet 1465, MedGen C3281201, MONDO:0007617, OMIM 135900. Disease mechanism: gain of function.

Submissions (2):

Victorian Clinical Genetics Services, Murdoch Childrens Research Institute
Classification: Pathogenic for Coffin-Siris syndrome 1. Last evaluated: 2022-02-02. Review status: criteria provided, single submitter. Criteria: ACMG Guidelines, 2015. Collection method: clinical testing. Allele origin: germline. Inheritance: Autosomal dominant inheritance.
Comment: A heterozygous deletion and insertion variant was identified, NM_020732.3(ARID1B):c.3778_3780delinsAG in exon 15 of 20 of the ARID1B gene. This variant is predicted to cause a frameshift from amino acid position 1260 introducing a stop codon 5 residues downstream, NP_065783.3(ARID1B):p.(Tyr1260Serfs*5), resulting in loss of normal protein function through nonsense-mediated decay (NMD). The variant is not present in the gnomAD population database. It has been previously reported in a patient, however no clinical information is available (ClinVar). Other variants predicted to cause NMD have been reported as pathogenic in individuals with Coffin-Siris syndrome (ClinVar, HGMD®). Based on information available at the time of curation, this variant has been classified as PATHOGENIC.

Eurofins Ntd Llc (ga)
Classification: Pathogenic. Last evaluated: 2016-12-07. Review status: criteria provided, single submitter. Criteria: EGL Classification Definitions 2015. Collection method: clinical testing. Allele origin: germline. Observed: 1 variant allele, 1 heterozygote.